The following is an entry in ClinVar:

ClinVar aggregate classification (germline): Uncertain significance (0 of 4 stars; one submission).

Conditions:
MAP1B-related disorder. Also called: MAP1B-related condition.

Submission:

PreventionGenetics, part of Exact Sciences
Classification: Uncertain significance for MAP1B-related condition. Last evaluated: 2024-03-05. Review status: no assertion criteria provided. Collection method: clinical testing. Allele origin: germline.
Comment: The MAP1B c.2518T>G variant is predicted to result in the amino acid substitution p.Phe840Val. To our knowledge, this variant has not been reported in the literature or in a large population database, indicating this variant is rare. At this time, the clinical significance of this variant is uncertain due to the absence of conclusive functional and genetic evidence.

NM_005909.5(MAP1B):c.2518T>G (p.Phe840Val)

Gene: MAP1B (microtubule associated protein 1B; plus strand). Cytogenetic location: 5q13.2.
Variant type: single nucleotide variant.
Coding change: c.2518T>G on transcript NM_005909.5 (MANE Select); coding-DNA position 2518, T replaced by G.
Protein change: p.Phe840Val; replaces phenylalanine 840 with valine.
Molecular consequence: missense variant.
Genome position (GRCh38, 1-based): chr5:72,195,873, T>G. VCF-style: chr5-72195873-T-G. GRCh37 (hg19) VCF-style: chr5-71491700-T-G.
Other names: c.2140T>G, p.Phe714Val (NM_001324255.2); short protein forms F714V, F840V.
Identifiers: ClinVar variation 3350036 (VCV003350036.1).